The following is an entry in ClinVar:

ClinVar aggregate classification (germline): Uncertain significance (1 of 4 stars; one submission).

Allele frequency attached by ClinVar (database versions not stated): TOPMed 0.00001; gnomAD exomes 0.00002; ExAC 0.00003; gnomAD 0.00003.

Submission:

Labcorp Genetics (formerly Invitae), Labcorp
Classification: Uncertain significance. Last evaluated: 2025-11-04. Review status: criteria provided, single submitter. Criteria: Invitae Variant Classification Sherloc (09022015). Collection method: clinical testing. Allele origin: germline.
Comment: This sequence change replaces arginine, which is basic and polar, with glutamine, which is neutral and polar, at codon 185 of the TGFB1 protein (p.Arg185Gln). This variant is present in population databases (rs200030349, gnomAD 0.01%). This variant has not been reported in the literature in individuals affected with TGFB1-related conditions. ClinVar contains an entry for this variant (Variation ID: 1915305). Invitae Evidence Modeling of protein sequence and biophysical properties (such as structural, functional, and spatial information, amino acid conservation, physicochemical variation, residue mobility, and thermodynamic stability) indicates that this missense variant is not expected to disrupt TGFB1 protein function with a negative predictive value of 80%. In summary, the available evidence is currently insufficient to determine the role of this variant in disease. Therefore, it has been classified as a Variant of Uncertain Significance.

NM_000660.7(TGFB1):c.554G>A (p.Arg185Gln)

Gene: TGFB1 (transforming growth factor beta 1; minus strand). Cytogenetic location: 19q13.2.
Variant type: single nucleotide variant.
Coding change: c.554G>A on transcript NM_000660.7 (MANE Select); coding-DNA position 554, G replaced by A.
Protein change: p.Arg185Gln; replaces arginine 185 with glutamine.
Molecular consequence: missense variant.
Genome position (GRCh38, 1-based): chr19:41,344,827, C>T on the plus strand (G>A on the coding strand, the complement: TGFB1 is on the minus strand). VCF-style: chr19-41344827-C-T. GRCh37 (hg19) VCF-style: chr19-41850732-C-T.
Other names: short protein forms R185Q.
Identifiers: ClinVar variation 1915305 (VCV001915305.5), dbSNP rs200030349, ClinGen allele CA9460062.